The following is an entry in ClinVar:

ClinVar aggregate classification (germline): Uncertain significance. Review status: criteria provided, multiple submitters, no conflicts (2 of 4 stars). 2 submissions from 2 submitters: Uncertain significance (2). Last evaluated 2025-04-09.

Conditions:
Fanconi anemia complementation group J. Also called: BRIP1-Related Fanconi Anemia. Identifiers: Orphanet 84, MedGen C1836860, MONDO:0012187, OMIM 609054.
Familial cancer of breast. Also called: hereditary breast carcinoma; BREAST CANCER, FAMILIAL; Hereditary breast cancer. Identifiers: Orphanet 227535, MedGen C0346153, MONDO:0016419, OMIM 114480. Disease mechanism: loss of function.
Hereditary cancer-predisposing syndrome. Also called: Tumor predisposition; Hereditary Cancer Syndrome; Hereditary neoplastic syndrome; Neoplastic Syndromes, Hereditary. Identifiers: Orphanet 140162, MedGen C0027672, MeSH D009386, MONDO:0015356.

Allele frequency attached by ClinVar (database versions not stated): TOPMed below 0.00001.

Submissions (2):

Labcorp Genetics (formerly Invitae), Labcorp
Classification: Uncertain significance for Familial cancer of breast; Fanconi anemia complementation group J. Last evaluated: 2025-04-09. Review status: criteria provided, single submitter. Criteria: Invitae Variant Classification Sherloc (09022015). Collection method: clinical testing. Allele origin: germline.
Comment: This sequence change replaces valine, which is neutral and non-polar, with methionine, which is neutral and non-polar, at codon 588 of the BRIP1 protein (p.Val588Met). This variant is not present in population databases (gnomAD no frequency). This variant has not been reported in the literature in individuals affected with BRIP1-related conditions. ClinVar contains an entry for this variant (Variation ID: 233362). Invitae Evidence Modeling of protein sequence and biophysical properties (such as structural, functional, and spatial information, amino acid conservation, physicochemical variation, residue mobility, and thermodynamic stability) indicates that this missense variant is not expected to disrupt BRIP1 protein function with a negative predictive value of 95%. In summary, the available evidence is currently insufficient to determine the role of this variant in disease. Therefore, it has been classified as a Variant of Uncertain Significance.

Ambry Genetics
Classification: Uncertain significance for Hereditary cancer-predisposing syndrome. Last evaluated: 2023-07-07. Review status: criteria provided, single submitter. Criteria: Ambry Variant Classification Scheme 2023. Collection method: clinical testing. Allele origin: germline.
Comment: The p.V588M variant (also known as c.1762G>A), located in coding exon 11 of the BRIP1 gene, results from a G to A substitution at nucleotide position 1762. The valine at codon 588 is replaced by methionine, an amino acid with highly similar properties. This amino acid position is not well conserved in available vertebrate species. In addition, this alteration is predicted to be tolerated by in silico analysis. Since supporting evidence is limited at this time, the clinical significance of p.V588M remains unclear.

NM_032043.3(BRIP1):c.1762G>A (p.Val588Met)

Gene: BRIP1 (BRCA1 interacting DNA helicase 1; minus strand). Cytogenetic location: 17q23.2.
Variant type: single nucleotide variant.
Coding change: c.1762G>A on transcript NM_032043.3 (MANE Select); coding-DNA position 1762, G replaced by A.
Protein change: p.Val588Met; replaces valine 588 with methionine.
Molecular consequence: missense variant.
Genome position (GRCh38, 1-based): chr17:61,780,872, C>T on the plus strand (G>A on the coding strand, the complement: BRIP1 is on the minus strand). VCF-style: chr17-61780872-C-T. GRCh37 (hg19) VCF-style: chr17-59858233-C-T.
Other names: short protein forms V588M.
Identifiers: ClinVar variation 233362 (VCV000233362.16), dbSNP rs876660355, ClinGen allele CA10580829.